The following is an entry in ClinVar:

NC_000005.10:g.112707477A>G

Gene: APC (APC regulator of Wnt signaling pathway; plus strand). Cytogenetic location: 5q22.2.
Variant type: single nucleotide variant.
Genome position: GRCh38 VCF-style: chr5-112707477-A-G. GRCh37 (hg19) VCF-style: chr5-112043174-A-G.
Identifiers: ClinVar variation 469868 (VCV000469868.48), dbSNP rs190326008, ClinGen allele CA124924764.
Genomic context (GRCh38, chr5:112,707,477, plus strand): 5'-GAGCGCAGCACCCATTGCGCCTGCGCATAACAGGCTCTAGTCTCCGGGCTGTGGGAAGCC[A>G]GCAACACCTCTCACGCATGCGCATTGTAGTCTTCCCACCTCCCACAAGATGGCGGAGGGC-3'

ClinVar aggregate classification (germline): Benign/Likely benign. Review status: criteria provided, multiple submitters, no conflicts (2 of 4 stars). 5 submissions from 5 submitters: Benign (2); Likely benign (2). 1 of the submissions does not count toward it. Last evaluated 2026-09-01.

Conditions:
APC-related disorder. Also called: APC-related condition.
Familial adenomatous polyposis 1 (FAP1). Also called: FAMILIAL ADENOMATOUS POLYPOSIS 1, ATTENUATED; POLYPOSIS, ADENOMATOUS INTESTINAL. Identifiers: MedGen C2713442, MONDO:0021056, OMIM 175100. Disease mechanism: loss of function.

Allele frequency attached by ClinVar (database versions not stated): gnomAD 0.00064; 1000 Genomes Project 0.00200; TOPMed 0.00045.

Submissions (5):

CeGaT Center for Human Genetics Tuebingen
Classification: Benign. Last evaluated: 2026-09-01. Review status: criteria provided, single submitter. Criteria: CeGaT Center For Human Genetics Tuebingen Variant Classification Criteria Version 2. Collection method: clinical testing. Allele origin: germline. Affected: yes. Observed: 3 variant alleles.
Comment: APC: BS1, BS2

Labcorp Genetics (formerly Invitae), Labcorp
Classification: Benign for Familial adenomatous polyposis 1. Last evaluated: 2026-02-04. Review status: criteria provided, single submitter. Criteria: Invitae Variant Classification Sherloc (09022015). Collection method: clinical testing. Allele origin: germline.

Center for Genomic Medicine, Rigshospitalet, Copenhagen University Hospital
Classification: Likely benign. Last evaluated: 2025-03-04. Review status: criteria provided, single submitter. Criteria: ACMG Guidelines, 2015. Collection method: clinical testing. Allele origin: germline.

Blueprint Genetics
Classification: Likely benign. Last evaluated: 2024-11-13. Review status: criteria provided, single submitter. Criteria: ACMG Guidelines, 2015. Collection method: clinical testing. Allele origin: germline.

PreventionGenetics, part of Exact Sciences
Classification: Likely benign for APC-related condition. Last evaluated: 2023-10-20. Review status: no assertion criteria provided. Collection method: clinical testing. Allele origin: germline. Not counted in ClinVar's aggregate classification.
Comment: This variant is classified as likely benign based on ACMG/AMP sequence variant interpretation guidelines (Richards et al. 2015 PMID: 25741868, with internal and published modifications).